The following is an entry in ClinVar:

NM_001129.5(AEBP1):c.3394G>C (p.Glu1132Gln)

Gene: AEBP1 (AE binding protein 1; plus strand). Cytogenetic location: 7p13.
Variant type: single nucleotide variant.
Coding change: c.3394G>C on transcript NM_001129.5 (MANE Select); coding-DNA position 3394, G replaced by C.
Protein change: p.Glu1132Gln; replaces glutamic acid 1132 with glutamine.
Molecular consequence: missense variant.
Genome position (GRCh38, 1-based): chr7:44,114,178, G>C. VCF-style: chr7-44114178-G-C. GRCh37 (hg19) VCF-style: chr7-44153777-G-C.
Other names: p.Glu1132Gln; short protein forms E1132Q.
Identifiers: ClinVar variation 4541286 (VCV004541286.2).

ClinVar aggregate classification (germline): Uncertain significance. Review status: criteria provided, multiple submitters, no conflicts (2 of 4 stars). 2 submissions from 2 submitters: Uncertain significance (2). Last evaluated 2025-08-14.

gnomAD v4.1: 3 of 1,594,588 alleles (0.00019%); highest among the groups gnomAD compares: Non-Finnish European, 0.00026%; no homozygotes.

Submissions (2):

Labcorp Genetics (formerly Invitae), Labcorp
Classification: Uncertain significance. Last evaluated: 2025-08-14. Review status: criteria provided, single submitter. Criteria: Invitae Variant Classification Sherloc (09022015). Collection method: clinical testing. Allele origin: germline.
Comment: This sequence change replaces glutamic acid, which is acidic and polar, with glutamine, which is neutral and polar, at codon 1132 of the AEBP1 protein (p.Glu1132Gln). This variant is not present in population databases (gnomAD no frequency). This variant has not been reported in the literature in individuals affected with AEBP1-related conditions. Experimental studies and prediction algorithms are not available or were not evaluated, and the functional significance of this variant is currently unknown. In summary, the available evidence is currently insufficient to determine the role of this variant in disease. Therefore, it has been classified as a Variant of Uncertain Significance.

Mayo Clinic Laboratories, Mayo Clinic
Classification: Uncertain significance. Last evaluated: 2025-01-17. Review status: criteria provided, single submitter. Criteria: ACMG Guidelines, 2015. Collection method: clinical testing. Allele origin: germline. Observed: 1 variant allele.
Comment: BP4, PM2_supporting